The following is an entry in ClinVar:

NM_001001331.4(ATP2B2):c.532C>T (p.Gln178Ter)

Gene: ATP2B2 (ATPase plasma membrane Ca2+ transporting 2; minus strand). Cytogenetic location: 3p25.3.
Variant type: single nucleotide variant.
Coding change: c.532C>T on transcript NM_001001331.4 (MANE Select); coding-DNA position 532, C replaced by T.
Protein change: p.Gln178Ter; replaces glutamine 178 with a stop codon.
Molecular consequence: nonsense.
Genome position (GRCh38, 1-based): chr3:10,402,214, G>A on the plus strand (C>T on the coding strand, the complement: ATP2B2 is on the minus strand). VCF-style: chr3-10402214-G-A. GRCh37 (hg19) VCF-style: chr3-10443898-G-A.
Other names: c.532C>T, p.Gln178Ter (NM_001330611.3, NM_001353564.1, NM_001363862.1 and 1 more transcripts); short protein forms Q178*.
Identifiers: ClinVar variation 1997758 (VCV001997758.4), dbSNP rs2470657062, ClinGen allele CA351775733.
Genomic context (GRCh38, chr3:10,402,214, plus strand): 5'-CAGCCCGGACCACGGTAAATTTCTGTTCCTGCTCGATGCGGCTCTGCAGGCCCCGGAACT[G>A]TTTCTCTTTGCTCCAGTCATTGAAGGCCGTGACCAGGACCACACAGATAACTGAGAGGAG-3'

ClinVar aggregate classification (germline): Pathogenic (1 of 4 stars; one submission).

Allele frequency attached by ClinVar (database versions not stated): gnomAD exomes below 0.00001.
gnomAD v4.1: 1 of 1,614,186 alleles (0.000062%); highest among the groups gnomAD compares: Non-Finnish European, 0.000085%; no homozygotes.

Submission:

Labcorp Genetics (formerly Invitae), Labcorp
Classification: Pathogenic. Last evaluated: 2022-05-21. Review status: criteria provided, single submitter. Criteria: Invitae Variant Classification Sherloc (09022015). Collection method: clinical testing. Allele origin: germline.
Comment: For these reasons, this variant has been classified as Pathogenic. This variant has not been reported in the literature in individuals affected with ATP2B2-related conditions. This variant is not present in population databases (gnomAD no frequency). This sequence change creates a premature translational stop signal (p.Gln178*) in the ATP2B2 gene. It is expected to result in an absent or disrupted protein product. Loss-of-function variants in ATP2B2 are known to be pathogenic (PMID: 30535804).

Literature cited by the submitters: PubMed 30535804.